The following is an entry in ClinVar:

ClinVar aggregate classification (germline): Pathogenic (1 of 4 stars; one submission).

Submission:

GeneDx
Classification: Pathogenic. Last evaluated: 2016-09-27. Review status: criteria provided, single submitter. Criteria: GeneDx Variant Classification (06012015). Collection method: clinical testing. Allele origin: germline. Affected: yes.
Comment: The c.2579_2580delTT pathogenic variant in the TSC2 gene causes a frameshift starting with codon Phenylalanine 860, changes this amino acid to a Cysteine residue and creates a premature Stop codon at position 22 of the new reading frame, denoted p.Phe860CysfsX22. This pathogenic variant is predicted to cause loss of normal protein function either through protein truncation or nonsense-mediated mRNA decay. This pathogenic variant has not been previously reported to our knowledge.

NM_000548.5(TSC2):c.2579_2580del (p.Phe860fs)

Gene: TSC2 (TSC complex subunit 2; plus strand). Cytogenetic location: 16p13.3.
Variant type: Deletion.
Coding change: c.2579_2580del on transcript NM_000548.5 (MANE Select); coding-DNA positions 2579 to 2580, 2 bases deleted (TT; older notation c.2579_2580delTT).
Protein change: p.Phe860fs; shifts the reading frame from phenylalanine 860.
Molecular consequence: frameshift variant.
Genome position (GRCh38, 1-based): chr16:2,075,832-2,075,833, TT deleted; deleting any 2 consecutive bases within chr16:2,075,831-2,075,833 gives the same sequence; the c. name uses the placement nearest the transcript's 3' end. VCF-style (leftmost placement, unchanged base first): chr16-2075830-CTT-C. GRCh37 (hg19) VCF-style: chr16-2125831-CTT-C.
Other names: c.2579_2580del, p.Phe860fs (NM_001077183.3, NM_001114382.3, NM_001363528.2 and 3 more transcripts); c.2468_2469del, p.Phe823fs (NM_001318827.2); c.2432_2433del, p.Phe811fs (NM_001318829.2); c.1979_1980del, p.Phe660fs (NM_001318831.2); c.2612_2613del, p.Phe871fs (NM_001318832.2); short protein forms F811fs, F660fs, F860fs, F823fs, F871fs.
Identifiers: ClinVar variation 280914 (VCV000280914.2), dbSNP rs886042032, ClinGen allele CA10603289.
Genomic context (GRCh38, chr16:2,075,830, plus strand): 5'-TCCCCTGACCACCCTCTCCATTACCGCAGCTCTGGCCAGGCTGCCGCACCTCTACAGGAA[CTT>C]TGCCGCGGAGCAGTATGCCAGTGTGTTCGCCATCTCCCTGCCGTACACCAACCCCTCCAA-3'